The following is an entry in ClinVar:

ClinVar aggregate classification (germline): Uncertain significance. Review status: criteria provided, multiple submitters, no conflicts (2 of 4 stars). 2 submissions from 2 submitters: Uncertain significance (2). Last evaluated 2021-03-24.

Conditions:
Inborn genetic diseases. Identifiers: MedGen C0950123, MeSH D030342.

Allele frequency attached by ClinVar (database versions not stated): gnomAD 0.00003; gnomAD exomes 0.00003; TOPMed 0.00003; ExAC 0.00005; ESP Exome Variant Server 0.00008.
gnomAD v4.1: 50 of 1,613,502 alleles (0.0031%); highest among the groups gnomAD compares: African/African-American, 0.0067%; no homozygotes.

Submissions (2):

Ambry Genetics
Classification: Uncertain significance for Inborn genetic diseases. Last evaluated: 2021-03-24. Review status: criteria provided, single submitter. Criteria: Ambry Variant Classification Scheme 2023. Collection method: clinical testing. Allele origin: germline.
Comment: The c.5573G>A (p.R1858Q) alteration is located in exon 42 (coding exon 40) of the ITPR1 gene. This alteration results from a G to A substitution at nucleotide position 5573, causing the arginine (R) at amino acid position 1858 to be replaced by a glutamine (Q). The p.R1858Q alteration is predicted to be tolerated by in silico analysis. Based on insufficient or conflicting evidence, the clinical significance of this alteration remains unclear.

Athena Diagnostics
Classification: Uncertain significance. Last evaluated: 2019-02-25. Review status: criteria provided, single submitter. Criteria: Athena Diagnostics Criteria. Collection method: clinical testing. Allele origin: germline.

NM_001378452.1(ITPR1):c.5762G>A (p.Arg1921Gln)

Gene: ITPR1 (inositol 1,4,5-trisphosphate receptor type 1; plus strand). Cytogenetic location: 3p26.1.
Variant type: single nucleotide variant.
Coding change: c.5762G>A on transcript NM_001378452.1 (MANE Select); coding-DNA position 5762, G replaced by A.
Protein change: p.Arg1921Gln; replaces arginine 1921 with glutamine.
Molecular consequence: missense variant.
Genome position (GRCh38, 1-based): chr3:4,768,547, G>A. VCF-style: chr3-4768547-G-A. GRCh37 (hg19) VCF-style: chr3-4810231-G-A.
Other names: c.5618G>A, p.Arg1873Gln (NM_001099952.4); c.5717G>A, p.Arg1906Gln (NM_001168272.2); c.5573G>A, p.Arg1858Gln (NM_002222.7); c.5573G>A (NM_002222.5); short protein forms R1873Q, R1906Q, R1858Q, R1921Q.
Identifiers: ClinVar variation 804945 (VCV000804945.3), dbSNP rs375223667, ClinGen allele CA2232418.